The following is an entry in ClinVar:

NM_001024383.2(NAV3):c.3191C>A (p.Ser1064Tyr)

Gene: NAV3 (neuron navigator 3; plus strand). Cytogenetic location: 12q21.2.
Variant type: single nucleotide variant.
Coding change: c.3191C>A on transcript NM_001024383.2 (MANE Select); coding-DNA position 3191, C replaced by A.
Protein change: p.Ser1064Tyr; replaces serine 1064 with tyrosine.
Molecular consequence: missense variant.
Genome position (GRCh38, 1-based): chr12:78,119,387, C>A. VCF-style: chr12-78119387-C-A. GRCh37 (hg19) VCF-style: chr12-78513167-C-A.
Other names: c.3191C>A, p.Ser1064Tyr (NM_014903.6); short protein forms S1064Y.
Identifiers: ClinVar variation 3177503 (VCV003177503.2), dbSNP rs763341796, ClinGen allele CA6697562.

ClinVar aggregate classification (germline): Uncertain significance. Review status: criteria provided, multiple submitters, no conflicts (2 of 4 stars). 2 submissions from 2 submitters: Uncertain significance (2). Last evaluated 2025-10-10.

Allele frequency attached by ClinVar (database versions not stated): ExAC 0.00001.
gnomAD v4.1: 3 of 1,614,186 alleles (0.00019%); highest among the groups gnomAD compares: Admixed American, 0.0017%; no homozygotes.

Submissions (2):

Labcorp Genetics (formerly Invitae), Labcorp
Classification: Uncertain significance. Last evaluated: 2025-10-10. Review status: criteria provided, single submitter. Criteria: Invitae Variant Classification Sherloc (09022015). Collection method: clinical testing. Allele origin: germline.
Comment: This sequence change replaces serine, which is neutral and polar, with tyrosine, which is neutral and polar, at codon 1064 of the NAV3 protein (p.Ser1064Tyr). This variant is present in population databases (rs763341796, gnomAD 0.003%). This variant has not been reported in the literature in individuals affected with NAV3-related conditions. ClinVar contains an entry for this variant (Variation ID: 3177503). An algorithm developed to predict the effect of missense changes on protein structure and function (PolyPhen-2) suggests that this variant is likely to be disruptive. In summary, the available evidence is currently insufficient to determine the role of this variant in disease. Therefore, it has been classified as a Variant of Uncertain Significance.

Ambry Genetics
Classification: Uncertain significance. Last evaluated: 2023-12-18. Review status: criteria provided, single submitter. Criteria: Ambry Variant Classification Scheme 2023. Collection method: clinical testing. Allele origin: germline.